The following is an entry in ClinVar:

ClinVar aggregate classification (germline): Pathogenic (1 of 4 stars; one submission).

Conditions:
Fanconi anemia (FA). Also called: Fanconi's anemia. Identifiers: Orphanet 84, MedGen C0015625, MeSH D005199, MONDO:0019391.

Submission:

Labcorp Genetics (formerly Invitae), Labcorp
Classification: Pathogenic for Fanconi anemia. Last evaluated: 2019-05-13. Review status: criteria provided, single submitter. Criteria: Invitae Variant Classification Sherloc (09022015). Collection method: clinical testing. Allele origin: germline.
Comment: This variant is an out-of-frame deletion of the genomic region encompassing exons 11-14 of the FANCA gene. This is expected to create a premature translational stop signal and result in an absent or disrupted protein product. Deletions of exons 11-14 have been reported in individuals affected with FANCA-related disease (PMID: 10094191, 24584348). Loss-of-function variants in FANCA are known to be pathogenic (PMID: 19367192). For these reasons, this variant has been classified as Pathogenic.

Literature cited by the submitters: PubMed 24584348; PubMed 10094191.

NC_000016.10:g.(?_89791403)_(89796018_?)del

Gene: FANCA (FA complementation group A; minus strand). Cytogenetic location: 16q24.3.
Variant type: Deletion.
Identifiers: ClinVar variation 832197 (VCV000832197.1).